The following is an entry in ClinVar:

ClinVar aggregate classification (germline): Uncertain significance (1 of 4 stars; one submission).

Conditions:
Aortic aneurysm, familial thoracic 7 (AAT7). Also called: AORTIC DISSECTION, FAMILIAL, WITH OR WITHOUT AORTIC ANEURYSM. Identifiers: MedGen C3151077, MONDO:0013418, OMIM 613780.

Submission:

Labcorp Genetics (formerly Invitae), Labcorp
Classification: Uncertain significance for Aortic aneurysm, familial thoracic 7. Last evaluated: 2025-01-30. Review status: criteria provided, single submitter. Criteria: Invitae Variant Classification Sherloc (09022015). Collection method: clinical testing. Allele origin: germline.
Comment: This sequence change replaces glycine, which is neutral and non-polar, with serine, which is neutral and polar, at codon 58 of the MYLK protein (p.Gly58Ser). This variant is not present in population databases (gnomAD no frequency). This variant has not been reported in the literature in individuals affected with MYLK-related conditions. Invitae Evidence Modeling of protein sequence and biophysical properties (such as structural, functional, and spatial information, amino acid conservation, physicochemical variation, residue mobility, and thermodynamic stability) indicates that this missense variant is not expected to disrupt MYLK protein function with a negative predictive value of 95%. In summary, the available evidence is currently insufficient to determine the role of this variant in disease. Therefore, it has been classified as a Variant of Uncertain Significance.

NM_053025.4(MYLK):c.172G>A (p.Gly58Ser)

Gene: MYLK (myosin light chain kinase; minus strand). Cytogenetic location: 3q21.1.
Variant type: single nucleotide variant.
Coding change: c.172G>A on transcript NM_053025.4 (MANE Select); coding-DNA position 172, G replaced by A.
Protein change: p.Gly58Ser; replaces glycine 58 with serine.
Molecular consequence: missense variant. On other transcripts: intron variant (1).
Genome position (GRCh38, 1-based): chr3:123,752,532, C>T on the plus strand (G>A on the coding strand, the complement: MYLK is on the minus strand). VCF-style: chr3-123752532-C-T. GRCh37 (hg19) VCF-style: chr3-123471379-C-T.
Other names: c.172G>A, p.Gly58Ser (NM_053026.4, NM_053027.4, NM_053028.4); c.-155-12531G>A (NM_001321309.2); short protein forms G58S.
Identifiers: ClinVar variation 3667931 (VCV003667931.2).